The following is an entry in ClinVar:

NM_017934.7(PHIP):c.632C>A (p.Ala211Glu)

Gene: PHIP (PHIP subunit of CUL4-Ring ligase complex; minus strand). Cytogenetic location: 6q14.1.
Variant type: single nucleotide variant.
Coding change: c.632C>A on transcript NM_017934.7 (MANE Select); coding-DNA position 632, C replaced by A.
Protein change: p.Ala211Glu; replaces alanine 211 with glutamic acid.
Molecular consequence: missense variant.
Genome position (GRCh38, 1-based): chr6:79,026,133, G>T on the plus strand (C>A on the coding strand, the complement: PHIP is on the minus strand). VCF-style: chr6-79026133-G-T. GRCh37 (hg19) VCF-style: chr6-79735850-G-T.
Other names: short protein forms A211E.
Identifiers: ClinVar variation 3685695 (VCV003685695.2).

ClinVar aggregate classification (germline): Uncertain significance (1 of 4 stars; one submission).

Submission:

Labcorp Genetics (formerly Invitae), Labcorp
Classification: Uncertain significance. Last evaluated: 2024-11-18. Review status: criteria provided, single submitter. Criteria: Invitae Variant Classification Sherloc (09022015). Collection method: clinical testing. Allele origin: germline.
Comment: This sequence change replaces alanine, which is neutral and non-polar, with glutamic acid, which is acidic and polar, at codon 211 of the PHIP protein (p.Ala211Glu). This variant is not present in population databases (gnomAD no frequency). This variant has not been reported in the literature in individuals affected with PHIP-related conditions. Invitae Evidence Modeling of protein sequence and biophysical properties (such as structural, functional, and spatial information, amino acid conservation, physicochemical variation, residue mobility, and thermodynamic stability) has been performed for this missense variant. However, the output from this modeling did not meet the statistical confidence thresholds required to predict the impact of this variant on PHIP protein function. In summary, the available evidence is currently insufficient to determine the role of this variant in disease. Therefore, it has been classified as a Variant of Uncertain Significance.